The following is an entry in ClinVar:

ClinVar aggregate classification (germline): Pathogenic (1 of 4 stars; one submission).

Conditions:
Hereditary breast ovarian cancer syndrome. Also called: Hereditary breast and ovarian cancer; Hereditary breast and/or ovarian cancer syndrome; BRCA1- and BRCA2-Associated Hereditary Breast and Ovarian Cancer; Hereditary breast and ovarian cancer syndrome; Hereditary breast and ovarian cancer syndrome (HBOC); Breast and ovarian cancer. Identifiers: Orphanet 145, MedGen C0677776, MeSH D061325, MONDO:0003582. Disease mechanism: loss of function.

Submission:

Labcorp Genetics (formerly Invitae), Labcorp
Classification: Pathogenic for Hereditary breast ovarian cancer syndrome. Last evaluated: 2024-05-12. Review status: criteria provided, single submitter. Criteria: Invitae Variant Classification Sherloc (09022015). Collection method: clinical testing. Allele origin: germline.
Comment: This sequence change creates a premature translational stop signal (p.Ile966Tyrfs*4) in the BRCA1 gene. It is expected to result in an absent or disrupted protein product. Loss-of-function variants in BRCA1 are known to be pathogenic (PMID: 20104584). This variant is not present in population databases (gnomAD no frequency). This premature translational stop signal has been observed in individual(s) with breast cancer (PMID: 25480878, 28724667). This variant is also known as 3015delAT. ClinVar contains an entry for this variant (Variation ID: 1367224). For these reasons, this variant has been classified as Pathogenic.

Literature cited by the submitters: PubMed 20104584; PubMed 25480878; PubMed 28724667.

NM_007294.4(BRCA1):c.2896_2897del (p.Ile966fs)

Gene: BRCA1 (BRCA1 DNA repair associated; minus strand). Cytogenetic location: 17q21.31.
Variant type: Deletion.
Coding change: c.2896_2897del on transcript NM_007294.4 (MANE Select); coding-DNA positions 2896 to 2897, 2 bases deleted (AT; older notation c.2896_2897delAT).
Protein change: p.Ile966fs; shifts the reading frame from isoleucine 966.
Molecular consequence: frameshift variant. On other transcripts: intron variant (137).
Genome position (GRCh38, 1-based): chr17:43,092,634-43,092,635, AT deleted on the plus strand (AT on the coding strand, the reverse complement: BRCA1 is on the minus strand). VCF-style (leftmost placement, unchanged base first): chr17-43092633-AAT-A. GRCh37 (hg19) VCF-style: chr17-41244650-AAT-A.
Other names: c.2683_2684del, p.Ile895fs (NM_001407571.1, NM_001407853.1, NM_001407894.1 and 9 more transcripts); c.2896_2897del, p.Ile966fs (NM_001407581.1, NM_001407582.1, NM_001407583.1 and 30 more transcripts); c.2893_2894del, p.Ile965fs (NM_001407587.1, NM_001407590.1, NM_001407591.1 and 22 more transcripts); c.2887_2888del, p.Ile963fs (NM_001407646.1, NM_001407647.1); c.2773_2774del, p.Ile925fs (NM_001407648.1, NM_001407664.1, NM_001407665.1 and 19 more transcripts); c.2770_2771del, p.Ile924fs (NM_001407649.1, NM_001407670.1, NM_001407671.1 and 11 more transcripts); c.2818_2819del, p.Ile940fs (NM_001407653.1, NM_001407654.1, NM_001407655.1 and 4 more transcripts); c.2815_2816del, p.Ile939fs (NM_001407659.1, NM_001407660.1, NM_001407661.1 and 1 more transcripts); and 41 more; short protein forms I919fs, I966fs, I670fs, I855fs, I924fs, I925fs, I878fs, I896fs.
Identifiers: ClinVar variation 1367224 (VCV001367224.7), dbSNP rs1567793812, ClinGen allele CA919844304.